The following is an entry in ClinVar:

NM_022437.3(ABCG8):c.369C>T (p.His123=)

Gene: ABCG8 (ATP binding cassette subfamily G member 8; plus strand). Cytogenetic location: 2p21.
Variant type: single nucleotide variant.
Coding change: c.369C>T on transcript NM_022437.3 (MANE Select); coding-DNA position 369, C replaced by T.
Protein change: p.His123=; no amino-acid change (histidine 123 retained).
Molecular consequence: synonymous variant.
Genome position (GRCh38, 1-based): chr2:43,851,630, C>T. VCF-style: chr2-43851630-C-T. GRCh37 (hg19) VCF-style: chr2-44078769-C-T.
Other names: c.369C>T, p.His123= (NM_001357321.2).
Identifiers: ClinVar variation 593929 (VCV000593929.11), dbSNP rs139859350, ClinGen allele CA1636997.

ClinVar aggregate classification (germline): Conflicting classifications of pathogenicity. Review status: criteria provided, conflicting classifications (1 of 4 stars). 4 submissions from 4 submitters: Uncertain significance (1); Likely benign (2). 1 of the submissions does not count toward it. Last evaluated 2025-12-03.

Conditions:
Cardiovascular phenotype. Identifiers: MedGen CN230736.
ABCG8-related disorder. Also called: ABCG8-related condition.

Allele frequency attached by ClinVar (database versions not stated): TOPMed 0.00003; gnomAD 0.00004 and 0.00005; 1000 Genomes Project 0.00020; gnomAD exomes 0.00003; ESP Exome Variant Server 0.00008; 1000 Genomes Project 30x 0.00016.
gnomAD v4.1: 79 of 1,614,228 alleles (0.0049%); highest among the groups gnomAD compares: Non-Finnish European, 0.0062%; no homozygotes.

Submissions (4):

Labcorp Genetics (formerly Invitae), Labcorp
Classification: Likely benign. Last evaluated: 2025-12-03. Review status: criteria provided, single submitter. Criteria: Invitae Variant Classification Sherloc (09022015). Collection method: clinical testing. Allele origin: germline.

Ambry Genetics
Classification: Likely benign for Cardiovascular phenotype. Last evaluated: 2020-10-22. Review status: criteria provided, single submitter. Criteria: Ambry Variant Classification Scheme 2023. Collection method: clinical testing. Allele origin: germline.

Eurofins Ntd Llc (ga)
Classification: Uncertain significance. Last evaluated: 2017-09-05. Review status: criteria provided, single submitter. Criteria: EGL Classification Definitions 2015. Collection method: clinical testing. Allele origin: germline. Observed: 1 variant allele, 1 heterozygote.

PreventionGenetics, part of Exact Sciences
Classification: Likely benign for ABCG8-related condition. Last evaluated: 2024-08-06. Review status: no assertion criteria provided. Collection method: clinical testing. Allele origin: germline. Not counted in ClinVar's aggregate classification.
Comment: This variant is classified as likely benign based on ACMG/AMP sequence variant interpretation guidelines (Richards et al. 2015 PMID: 25741868, with internal and published modifications).